The following is an entry in ClinVar:

NM_000501.4(ELN):c.1590del (p.Ala531fs)

Genes: ELN (elastin; plus strand), ELN-AS1 (ELN antisense RNA 1; minus strand). Cytogenetic location: 7q11.23.
Variant type: Deletion.
Coding change: c.1590del on transcript NM_000501.4 (MANE Select); coding-DNA position 1590, one base deleted (C; older notation c.1590delC).
Protein change: p.Ala531fs; shifts the reading frame from alanine 531.
Molecular consequence: frameshift variant. On other transcripts: intron variant (1).
Genome position (GRCh38, 1-based): chr7:74,060,153, C deleted; the last of 2 consecutive C bases (chr7:74,060,152-74,060,153); deleting either gives the same sequence. VCF-style (leftmost placement, unchanged base first): chr7-74060151-TC-T. GRCh37 (hg19) VCF-style: chr7-73474481-TC-T.
Other names: c.1503del, p.Ala502fs (NM_001081752.3); c.1548del, p.Ala517fs (NM_001081753.3); c.1605del, p.Ala536fs (NM_001081754.3); c.1533del, p.Ala512fs (NM_001081755.3); c.1590del, p.Ala531fs (NM_001278912.2); c.1347del, p.Ala450fs (NM_001278913.2); c.1518del, p.Ala507fs (NM_001278914.2); c.1608del, p.Ala537fs (NM_001278915.2); and 4 more; short protein forms A442fs, A507fs, A517fs, A502fs, A512fs, A560fs, A450fs, A521fs.
Identifiers: ClinVar variation 4715797 (VCV004715797.1).

ClinVar aggregate classification (germline): Pathogenic (1 of 4 stars; one submission).

Conditions:
Supravalvar aortic stenosis (SVAS). Also called: Supravalvar aortic stenosis, Eisenberg type. Identifiers: Orphanet 3193, MedGen C0003499, MONDO:0008504, OMIM 185500, HP:0004381.

Submission:

Labcorp Genetics (formerly Invitae), Labcorp
Classification: Pathogenic for Supravalvar aortic stenosis. Last evaluated: 2025-03-24. Review status: criteria provided, single submitter. Criteria: Invitae Variant Classification Sherloc (09022015). Collection method: clinical testing. Allele origin: germline.
Comment: This sequence change creates a premature translational stop signal (p.Ala560Leufs*115) in the ELN gene. It is expected to result in an absent or disrupted protein product. Loss-of-function variants in ELN are known to be pathogenic (PMID: 11175284). This variant is not present in population databases (gnomAD no frequency). This variant has not been reported in the literature in individuals affected with ELN-related conditions. For these reasons, this variant has been classified as Pathogenic.

Literature cited by the submitters: PubMed 11175284.